The following is an entry in ClinVar:

ClinVar aggregate classification (germline): Uncertain significance. Review status: criteria provided, multiple submitters, no conflicts (2 of 4 stars). 2 submissions from 2 submitters: Uncertain significance (2). Last evaluated 2024-08-19.

Conditions:
Fanconi anemia (FA). Also called: Fanconi's anemia. Identifiers: Orphanet 84, MedGen C0015625, MeSH D005199, MONDO:0019391.

Allele frequency attached by ClinVar (database versions not stated): gnomAD exomes 0.00001; ESP Exome Variant Server 0.00008.
gnomAD v4.1: 14 of 1,611,202 alleles (0.00087%); highest among the groups gnomAD compares: Non-Finnish European, 0.001%; no homozygotes.

Submissions (2):

Labcorp Genetics (formerly Invitae), Labcorp
Classification: Uncertain significance for Fanconi anemia. Last evaluated: 2024-08-19. Review status: criteria provided, single submitter. Criteria: Invitae Variant Classification Sherloc (09022015). Collection method: clinical testing. Allele origin: germline.
Comment: This sequence change replaces valine, which is neutral and non-polar, with isoleucine, which is neutral and non-polar, at codon 1497 of the FANCM protein (p.Val1497Ile). This variant is not present in population databases (gnomAD no frequency). This variant has not been reported in the literature in individuals affected with FANCM-related conditions. ClinVar contains an entry for this variant (Variation ID: 408224). An algorithm developed to predict the effect of missense changes on protein structure and function outputs the following: PolyPhen-2: "Benign". The isoleucine amino acid residue is found in multiple mammalian species, which suggests that this missense change does not adversely affect protein function. In summary, the available evidence is currently insufficient to determine the role of this variant in disease. Therefore, it has been classified as a Variant of Uncertain Significance.

GeneDx
Classification: Uncertain significance. Last evaluated: 2023-04-04. Review status: criteria provided, single submitter. Criteria: GeneDx Variant Classification Process June 2021. Collection method: clinical testing. Allele origin: germline. Affected: yes.
Comment: Not observed at significant frequency in large population cohorts (gnomAD); In silico analysis supports that this missense variant does not alter protein structure/function; Observed in an individual with ovarian cancer (Dicks et al., 2017); This variant is associated with the following publications: (PMID: 28881617)

NM_020937.4(FANCM):c.4489G>A (p.Val1497Ile)

Gene: FANCM (FA complementation group M; plus strand). Cytogenetic location: 14q21.2.
Variant type: single nucleotide variant.
Coding change: c.4489G>A on transcript NM_020937.4 (MANE Select); coding-DNA position 4489, G replaced by A.
Protein change: p.Val1497Ile; replaces valine 1497 with isoleucine.
Molecular consequence: missense variant.
Genome position (GRCh38, 1-based): chr14:45,183,876, G>A. VCF-style: chr14-45183876-G-A. GRCh37 (hg19) VCF-style: chr14-45653079-G-A.
Other names: c.4489G>A (LRG_502t1); c.4411G>A, p.Val1471Ile (NM_001308133.2); short protein forms V1497I, V1471I.
Identifiers: ClinVar variation 408224 (VCV000408224.13), dbSNP rs369576101, ClinGen allele CA16614181.